The following is an entry in ClinVar:

ClinVar aggregate classification (germline): Benign. Review status: criteria provided, multiple submitters, no conflicts (2 of 4 stars). 6 submissions from 6 submitters: Benign (6). Last evaluated 2026-02-04.

Conditions:
Diffuse cerebral and cerebellar atrophy - intractable seizures - progressive microcephaly syndrome. Also called: Microcephaly, progressive, with seizures and cerebral and cerebellar atrophy. Identifiers: Orphanet 404437, MedGen C4014239, MONDO:0014335, OMIM 615760.

Allele frequency attached by ClinVar (database versions not stated): ESP Exome Variant Server 0.63402; gnomAD 0.65945 and 0.67164; TOPMed 0.67148; gnomAD exomes 0.69329 and 0.73838; ExAC 0.73037; 1000 Genomes Project 30x 0.74938; 1000 Genomes Project 0.75799.

Submissions (7):

Labcorp Genetics (formerly Invitae), Labcorp
Classification: Benign for Diffuse cerebral and cerebellar atrophy - intractable seizures - progressive microcephaly syndrome. Last evaluated: 2026-02-04. Review status: criteria provided, single submitter. Criteria: Invitae Variant Classification Sherloc (09022015). Collection method: clinical testing. Allele origin: germline.

Blueprint Genetics
Classification: Benign. Last evaluated: 2024-11-26. Review status: criteria provided, single submitter. Criteria: ACMG Guidelines, 2015. Collection method: clinical testing. Allele origin: germline.

Unidad de Genómica Garrahan, Hospital de Pediatría Garrahan
Classification: Benign. Last evaluated: 2024-07-15. Review status: criteria provided, single submitter. Criteria: ACMG Guidelines, 2015. Collection method: clinical testing. Allele origin: germline. Affected: no. Observed: 90 variant alleles.
Comment: This variant is classified as Benign based on local population frequency. This variant was detected in 97% of patients studied in a panel designed for Epileptic and Developmental Encephalopathy and Progressive Myoclonus Epilepsy. Number of patients: 90. Only high quality variants are reported.

Genome-Nilou Lab
Classification: Benign for Diffuse cerebral and cerebellar atrophy - intractable seizures - progressive microcephaly syndrome. Last evaluated: 2021-11-07. Review status: criteria provided, single submitter. Criteria: ACMG Guidelines, 2015. Collection method: clinical testing. Allele origin: germline. Affected: no.

GeneDx
Classification: Benign. Last evaluated: 2015-12-02. Review status: criteria provided, single submitter. Criteria: GeneDx Variant Classification (06012015). Collection method: clinical testing. Allele origin: germline. Affected: yes.
Comment: This variant is considered likely benign or benign based on one or more of the following criteria: it is a conservative change, it occurs at a poorly conserved position in the protein, it is predicted to be benign by multiple in silico algorithms, and/or has population frequency not consistent with disease.

Breakthrough Genomics
Classification: Benign. Review status: criteria provided, single submitter. Criteria: ACMG Guidelines, 2015. Collection method: not provided. Allele origin: germline. Inheritance: Autosomal recessive inheritance. Affected: yes.

Dr. Peter K. Rogan Lab, Western University
No classification provided (evidence only). Condition: Hepatocellular carcinoma. Review status: no classification provided. Collection method: in vitro. Allele origin: not applicable. Functional consequence: retained intron. Not counted in ClinVar's aggregate classification.

NM_005051.3(QARS1):c.977-13C>A

Gene: QARS1 (glutaminyl-tRNA synthetase 1; minus strand). Cytogenetic location: 3p21.31.
Variant type: single nucleotide variant.
Coding change: c.977-13C>A on transcript NM_005051.3 (MANE Select); 13 bases into the intron before coding-DNA position 977, C replaced by A.
Molecular consequence: intron variant.
Genome position (GRCh38, 1-based): chr3:49,100,471, G>T on the plus strand (C>A on the coding strand, the complement: QARS1 is on the minus strand). VCF-style: chr3-49100471-G-T. GRCh37 (hg19) VCF-style: chr3-49137904-G-T.
Other names: c.944-13C>A (NM_001272073.2).
Identifiers: ClinVar variation 380004 (VCV000380004.15), dbSNP rs4521268, ClinGen allele CA2391922.